The following is an entry in ClinVar:

NM_001232.4(CASQ2):c.1069G>C (p.Glu357Gln)

Gene: CASQ2 (calsequestrin 2; minus strand). Cytogenetic location: 1p13.1.
Variant type: single nucleotide variant.
Coding change: c.1069G>C on transcript NM_001232.4 (MANE Select); coding-DNA position 1069, G replaced by C.
Protein change: p.Glu357Gln; replaces glutamic acid 357 with glutamine.
Molecular consequence: missense variant.
Genome position (GRCh38, 1-based): chr1:115,701,372, C>G on the plus strand (G>C on the coding strand, the complement: CASQ2 is on the minus strand). VCF-style: chr1-115701372-C-G. GRCh37 (hg19) VCF-style: chr1-116243993-C-G.
Other names: short protein forms E357Q.
Identifiers: ClinVar variation 3995699 (VCV003995699.1).

ClinVar aggregate classification (germline): Uncertain significance (1 of 4 stars; one submission).

Conditions:
Cardiovascular phenotype. Identifiers: MedGen CN230736.

Submission:

Ambry Genetics
Classification: Uncertain significance for Cardiovascular phenotype. Last evaluated: 2025-04-19. Review status: criteria provided, single submitter. Criteria: Ambry Variant Classification Scheme 2023. Collection method: clinical testing. Allele origin: germline.
Comment: The p.E357Q variant (also known as c.1069G>C), located in coding exon 11 of the CASQ2 gene, results from a G to C substitution at nucleotide position 1069. The glutamic acid at codon 357 is replaced by glutamine, an amino acid with highly similar properties. This amino acid position is conserved. In addition, the in silico prediction for this alteration is inconclusive. Based on the available evidence, the clinical significance of this variant remains unclear.